The following is an entry in ClinVar:

ClinVar aggregate classification (germline): Uncertain significance. Review status: criteria provided, multiple submitters, no conflicts (2 of 4 stars). 2 submissions from 2 submitters: Uncertain significance (2). Last evaluated 2025-06-11.

Allele frequency attached by ClinVar (database versions not stated): gnomAD 0.00001; TOPMed 0.00001.

Submissions (2):

Labcorp Genetics (formerly Invitae), Labcorp
Classification: Uncertain significance. Last evaluated: 2025-06-11. Review status: criteria provided, single submitter. Criteria: Invitae Variant Classification Sherloc (09022015). Collection method: clinical testing. Allele origin: germline.
Comment: This sequence change replaces serine, which is neutral and polar, with threonine, which is neutral and polar, at codon 314 of the IL6ST protein (p.Ser314Thr). This variant is not present in population databases (gnomAD no frequency). This variant has not been reported in the literature in individuals affected with IL6ST-related conditions. ClinVar contains an entry for this variant (Variation ID: 2265916). An algorithm developed to predict the effect of missense changes on protein structure and function (PolyPhen-2) suggests that this variant is likely to be disruptive. In summary, the available evidence is currently insufficient to determine the role of this variant in disease. Therefore, it has been classified as a Variant of Uncertain Significance.

Ambry Genetics
Classification: Uncertain significance. Last evaluated: 2021-12-07. Review status: criteria provided, single submitter. Criteria: Ambry Variant Classification Scheme 2023. Collection method: clinical testing. Allele origin: germline.

NM_002184.4(IL6ST):c.941G>C (p.Ser314Thr)

Gene: IL6ST (interleukin 6 cytokine family signal transducer; minus strand). Cytogenetic location: 5q11.2.
Variant type: single nucleotide variant.
Coding change: c.941G>C on transcript NM_002184.4 (MANE Select); coding-DNA position 941, G replaced by C.
Protein change: p.Ser314Thr; replaces serine 314 with threonine.
Molecular consequence: missense variant. On other transcripts: non-coding transcript variant (2).
Genome position (GRCh38, 1-based): chr5:55,960,434, C>G on the plus strand (G>C on the coding strand, the complement: IL6ST is on the minus strand). VCF-style: chr5-55960434-C-G. GRCh37 (hg19) VCF-style: chr5-55256262-C-G.
Other names: c.941G>C, p.Ser314Thr (NM_001190981.2, NM_001364275.2, NM_175767.3); c.731G>C, p.Ser244Thr (NM_001364276.2); c.28G>C, p.Val10Leu (NM_001364277.2, NM_001364279.2); c.38G>C, p.Ser13Thr (NM_001364278.2); short protein forms S244T, S13T, S314T, V10L.
Identifiers: ClinVar variation 2265916 (VCV002265916.3), dbSNP rs1752242010, ClinGen allele CA359765379.